The following is an entry in ClinVar:

ClinVar aggregate classification (germline): Uncertain significance (1 of 4 stars; one submission).

Conditions:
Charcot-Marie-Tooth disease type 4. Also called: Charcot-Marie-Tooth disease, type IV; Charcot-Marie-Tooth, Type 4. Identifiers: Orphanet 64749, MedGen C4082197, MONDO:0018995.

Allele frequency attached by ClinVar (database versions not stated): gnomAD 0.00001; TOPMed 0.00001.
gnomAD v4.1: 7 of 1,610,290 alleles (0.00043%); highest among the groups gnomAD compares: Admixed American, 0.0017%; no homozygotes.

Submission:

Labcorp Genetics (formerly Invitae), Labcorp
Classification: Uncertain significance for Charcot-Marie-Tooth disease type 4. Last evaluated: 2022-08-16. Review status: criteria provided, single submitter. Criteria: Invitae Variant Classification Sherloc (09022015). Collection method: clinical testing. Allele origin: germline.
Comment: In summary, the available evidence is currently insufficient to determine the role of this variant in disease. Therefore, it has been classified as a Variant of Uncertain Significance. Algorithms developed to predict the effect of missense changes on protein structure and function are either unavailable or do not agree on the potential impact of this missense change (SIFT: "Deleterious"; PolyPhen-2: "Probably Damaging"; Align-GVGD: "Class C0"). This variant has not been reported in the literature in individuals affected with FIG4-related conditions. This variant is present in population databases (no rsID available, gnomAD 0.003%). This sequence change replaces arginine, which is basic and polar, with methionine, which is neutral and non-polar, at codon 100 of the FIG4 protein (p.Arg100Met).

NM_014845.6(FIG4):c.299G>T (p.Arg100Met)

Gene: FIG4 (FIG4 phosphoinositide 5-phosphatase; plus strand). Cytogenetic location: 6q21.
Variant type: single nucleotide variant.
Coding change: c.299G>T on transcript NM_014845.6 (MANE Select); coding-DNA position 299, G replaced by T.
Protein change: p.Arg100Met; replaces arginine 100 with methionine.
Molecular consequence: missense variant.
Genome position (GRCh38, 1-based): chr6:109,727,118, G>T. VCF-style: chr6-109727118-G-T. GRCh37 (hg19) VCF-style: chr6-110048321-G-T.
Other names: short protein forms R100M.
Identifiers: ClinVar variation 2198365 (VCV002198365.4), dbSNP rs942946390, ClinGen allele CA145127294.